The following is an entry in ClinVar:

ClinVar aggregate classification (germline): Uncertain significance (0 of 4 stars; one submission).

Conditions:
LAMA5-related disorder. Also called: LAMA5-related condition; LAMA5-Related Disorders.

gnomAD v4.1: 5 of 1,612,676 alleles (0.00031%); highest among the groups gnomAD compares: Non-Finnish European, 0.00042%; no homozygotes.

Submission:

PreventionGenetics, part of Exact Sciences
Classification: Uncertain significance for LAMA5-related condition. Last evaluated: 2024-03-25. Review status: no assertion criteria provided. Collection method: clinical testing. Allele origin: germline.
Comment: The LAMA5 c.2756G>A variant is predicted to result in the amino acid substitution p.Arg919Lys. To our knowledge, this variant has not been reported in the literature or in a large population database, indicating this variant is rare. At this time, the clinical significance of this variant is uncertain due to the absence of conclusive functional and genetic evidence.

NM_005560.6(LAMA5):c.2756G>A (p.Arg919Lys)

Gene: LAMA5 (laminin subunit alpha 5; minus strand). Cytogenetic location: 20q13.33.
Variant type: single nucleotide variant.
Coding change: c.2756G>A on transcript NM_005560.6 (MANE Select); coding-DNA position 2756, G replaced by A.
Protein change: p.Arg919Lys; replaces arginine 919 with lysine.
Molecular consequence: missense variant.
Genome position (GRCh38, 1-based): chr20:62,334,023, C>T on the plus strand (G>A on the coding strand, the complement: LAMA5 is on the minus strand). VCF-style: chr20-62334023-C-T. GRCh37 (hg19) VCF-style: chr20-60909079-C-T.
Other names: short protein forms R919K.
Identifiers: ClinVar variation 3349255 (VCV003349255.1).